The following is an entry in ClinVar:

ClinVar aggregate classification (germline): Uncertain significance (1 of 4 stars; one submission).

Conditions:
Wolfram syndrome 2 (WFS2). Identifiers: Orphanet 3463, MedGen C1858028, MONDO:0011502, OMIM 604928.

Submission:

3billion
Classification: Uncertain significance for Wolfram syndrome 2. Last evaluated: 2022-09-01. Review status: criteria provided, single submitter. Criteria: ACMG Guidelines, 2015. Collection method: clinical testing. Allele origin: germline. Affected: yes. Observed: 1 homozygote.
Comment: The variant is not observed in the gnomAD v2.1.1 dataset. Start-lost is reinitiation of translation may occur at a downstream alternate start codon but still result in a loss or disruption of normal protein function as there have been pathogenic variants reported upstream of the alternate start codon. Therefore, this variant is classified as uncertain significance according to the recommendation of ACMG/AMP guideline.

NM_001008388.5(CISD2):c.3G>A (p.Met1Ile)

Genes: CISD2 (CDGSH iron sulfur domain 2; plus strand), LOC129992891 (ATAC-STARR-seq lymphoblastoid silent region 15602; plus strand). Cytogenetic location: 4q24.
Variant type: single nucleotide variant.
Coding change: c.3G>A on transcript NM_001008388.5 (MANE Select); coding-DNA position 3, G replaced by A.
Protein change: p.Met1Ile; changes the start codon (methionine 1).
Molecular consequence: missense variant, initiator codon variant.
Genome position (GRCh38, 1-based): chr4:102,869,087, G>A. VCF-style: chr4-102869087-G-A. GRCh37 (hg19) VCF-style: chr4-103790244-G-A.
Other names: short protein forms M1I.
Identifiers: ClinVar variation 1705457 (VCV001705457.2), dbSNP rs2476207807, ClinGen allele CA357760172.